The following is an entry in ClinVar:

ClinVar aggregate classification (germline): Likely benign. Review status: criteria provided, multiple submitters, no conflicts (2 of 4 stars). 2 submissions from 2 submitters: Likely benign (2). Last evaluated 2024-02-01.

Allele frequency attached by ClinVar (database versions not stated): gnomAD exomes 0.00006; TOPMed 0.00010.
gnomAD v4.1: 98 of 1,605,016 alleles (0.0061%); highest among the groups gnomAD compares: Middle Eastern, 0.05%; no homozygotes.

Submissions (2):

CeGaT Center for Human Genetics Tuebingen
Classification: Likely benign. Last evaluated: 2024-02-01. Review status: criteria provided, single submitter. Criteria: CeGaT Center For Human Genetics Tuebingen Variant Classification Criteria Version 2. Collection method: clinical testing. Allele origin: germline. Affected: yes. Observed: 1 variant allele.
Comment: KY: BP4, BP7

Labcorp Genetics (formerly Invitae), Labcorp
Classification: Likely benign. Last evaluated: 2018-03-29. Review status: criteria provided, single submitter. Criteria: Invitae Variant Classification Sherloc (09022015). Collection method: clinical testing. Allele origin: germline.

NM_178554.6(KY):c.117G>C (p.Ser39=)

Genes: CEP63 (centrosomal protein 63; plus strand), KY (kyphoscoliosis peptidase; minus strand). Cytogenetic location: 3q22.2.
Variant type: single nucleotide variant.
Coding change: c.117G>C on transcript NM_178554.6 (MANE Select); coding-DNA position 117, G replaced by C.
Protein change: p.Ser39=; no amino-acid change (serine 39 retained).
Molecular consequence: synonymous variant.
Genome position (GRCh38, 1-based): chr3:134,650,844, C>G on the plus strand (G>C on the coding strand, the complement: KY is on the minus strand). VCF-style: chr3-134650844-C-G. GRCh37 (hg19) VCF-style: chr3-134369686-C-G.
Other names: c.117G>C, p.Ser39= (NM_001350859.2, NM_001350860.2, NM_001366276.1 and 1 more transcripts).
Identifiers: ClinVar variation 737425 (VCV000737425.25), dbSNP rs748047746, ClinGen allele CA2629424.